The following is an entry in ClinVar:

NM_000441.2(SLC26A4):c.416-12T>A

Gene: SLC26A4 (solute carrier family 26 member 4; plus strand). Cytogenetic location: 7q22.3.
Variant type: single nucleotide variant.
Coding change: c.416-12T>A on transcript NM_000441.2 (MANE Select); 12 bases into the intron before coding-DNA position 416, T replaced by A.
Molecular consequence: intron variant.
Genome position (GRCh38, 1-based): chr7:107,674,152, T>A. VCF-style: chr7-107674152-T-A. GRCh37 (hg19) VCF-style: chr7-107314597-T-A.
Identifiers: ClinVar variation 1702586 (VCV001702586.2), dbSNP rs751972640, ClinGen allele CA4432470.

ClinVar aggregate classification (germline): Uncertain significance (1 of 4 stars; one submission).

Allele frequency attached by ClinVar (database versions not stated): gnomAD exomes below 0.00001 and 0.00001; TOPMed below 0.00001; ExAC 0.00001.
gnomAD v4.1: 4 of 1,613,822 alleles (0.00025%); highest among the groups gnomAD compares: East Asian, 0.0089%; no homozygotes.

Submission:

GeneDx
Classification: Uncertain significance. Last evaluated: 2022-02-21. Review status: criteria provided, single submitter. Criteria: GeneDx Variant Classification Process June 2021. Collection method: clinical testing. Allele origin: germline. Affected: yes.
Comment: Has not been previously published as pathogenic or benign to our knowledge; In-silico analysis is inconclusive as to whether the variant alters gene splicing. In the absence of RNA/functional studies, the actual effect of this sequence change is unknown.